The following is an entry in ClinVar:

ClinVar aggregate classification (germline): Uncertain significance (1 of 4 stars; one submission).

Conditions:
Peroxisome biogenesis disorder 2B (PBD2B). Identifiers: Orphanet 44, MedGen C3550234, MONDO:0008736, OMIM 202370.

Allele frequency attached by ClinVar (database versions not stated): ESP Exome Variant Server 0.00008.
gnomAD v4.1: 1 of 1,613,158 alleles (0.000062%); highest among the groups gnomAD compares: Non-Finnish European, 0.000085%; no homozygotes.

Submission:

Labcorp Genetics (formerly Invitae), Labcorp
Classification: Uncertain significance for Peroxisome biogenesis disorder 2B. Last evaluated: 2025-10-21. Review status: criteria provided, single submitter. Criteria: Invitae Variant Classification Sherloc (09022015). Collection method: clinical testing. Allele origin: germline.
Comment: This sequence change replaces serine, which is neutral and polar, with cysteine, which is neutral and slightly polar, at codon 283 of the PEX5 protein (p.Ser283Cys). This variant is present in population databases (rs370010815, gnomAD 0.002%). This variant has not been reported in the literature in individuals affected with PEX5-related conditions. ClinVar contains an entry for this variant (Variation ID: 1427172). An algorithm developed to predict the effect of missense changes on protein structure and function (PolyPhen-2) suggests that this variant is likely to be tolerated. In summary, the available evidence is currently insufficient to determine the role of this variant in disease. Therefore, it has been classified as a Variant of Uncertain Significance.

NM_001351132.2(PEX5):c.848C>G (p.Ser283Cys)

Gene: PEX5 (peroxisomal biogenesis factor 5; plus strand). Cytogenetic location: 12p13.31.
Variant type: single nucleotide variant.
Coding change: c.848C>G on transcript NM_001351132.2 (MANE Select); coding-DNA position 848, C replaced by G.
Protein change: p.Ser283Cys; replaces serine 283 with cysteine.
Molecular consequence: missense variant. On other transcripts: intron variant (4).
Genome position (GRCh38, 1-based): chr12:7,203,433, C>G. VCF-style: chr12-7203433-C-G. GRCh37 (hg19) VCF-style: chr12-7356029-C-G.
Other names: c.893C>G, p.Ser298Cys (NM_001131023.2); c.737C>G, p.Ser246Cys (NM_001131024.2, NM_001351124.3, NM_001351126.2 and 7 more transcripts); c.848C>G, p.Ser283Cys (NM_001131025.2, NM_001131026.2, NM_001300789.3 and 5 more transcripts); c.782C>G, p.Ser261Cys (NM_001351135.3, NM_001351138.2); c.736-23C>G (NM_001374649.2, NM_001351140.2, NM_001351139.2); c.847-23C>G (NM_000319.5); short protein forms S246C, S298C, S283C, S261C.
Identifiers: ClinVar variation 1427172 (VCV001427172.4), dbSNP rs370010815, ClinGen allele CA6426304.